The following is an entry in ClinVar:

ClinVar aggregate classification (germline): Likely pathogenic (1 of 4 stars; one submission).

Conditions:
Autosomal recessive limb-girdle muscular dystrophy type 2I. Also called: MUSCULAR DYSTROPHY-DYSTROGLYCANOPATHY (LIMB-GIRDLE), TYPE C, 5; MUSCULAR DYSTROPHY-DYSTROGLYCANOPATHY, LIMB-GIRDLE, FRKP-RELATED; MUSCULAR DYSTROPHY, LIMB-GIRDLE, TYPE 2I. Identifiers: Orphanet 34515, MedGen C1846672, MONDO:0011787, OMIM 607155.

Submission:

Victorian Clinical Genetics Services, Murdoch Childrens Research Institute
Classification: Likely pathogenic for Autosomal recessive limb-girdle muscular dystrophy type 2I. Last evaluated: 2021-05-06. Review status: criteria provided, single submitter. Criteria: ACMG Guidelines, 2015. Collection method: clinical testing. Allele origin: germline. Inheritance: Autosomal recessive inheritance. Affected: yes.
Comment: Based on the classification scheme VCGS_Germline_v1.3.4, this variant is classified as Likely pathogenic. Following criteria are met: 0102 - Loss of function is a known mechanism of disease in this gene and is associated with muscular dystrophy-dystroglycanopathy (limb-girdle), type C, 5 (MIM#607155) (PMID: 19900540, 30232282, 30417025). (I) 0106 - This gene is associated with autosomal recessive disease. (I) 0200 - Variant is predicted to result in a missense amino acid change from arginine to glycine. (I) 0251 - This variant is heterozygous. (I) 0301 - Variant is absent from gnomAD (both v2 and v3). (SP) 0501 - Missense variant consistently predicted to be damaging by multiple in silico tools or highly conserved with a major amino acid change. (SP) 0604 - Variant is not located in an established domain, motif, hotspot or informative constraint region. (I) 0705 - No comparable missense variants have previous evidence for pathogenicity. (I) 0807 - This variant has no previous evidence of pathogenicity. (I) 0905 - No published segregation evidence has been identified for this variant. (I) 1007 - No published functional evidence has been identified for this variant. (I) 1102 - Strong phenotype match for this individual. (SP) 1201 - Heterozygous variant detected in trans with a second pathogenic heterozygous variant (p.(Leu276Ile)) in a recessive disease. (SP) 1208 - Inheritance information for this variant is not currently available in this individual. (I) Legend: (SP) - Supporting pathogenic, (I) - Information, (SB) - Supporting benign

Literature cited by the submitters: PubMed 19900540; PubMed 30232282; PubMed 30417025.

NM_024301.5(FKRP):c.526C>G (p.Arg176Gly)

Gene: FKRP (fukutin related protein; plus strand). Cytogenetic location: 19q13.32.
Variant type: single nucleotide variant.
Coding change: c.526C>G on transcript NM_024301.5 (MANE Select); coding-DNA position 526, C replaced by G.
Protein change: p.Arg176Gly; replaces arginine 176 with glycine.
Molecular consequence: missense variant.
Genome position (GRCh38, 1-based): chr19:46,755,976, C>G. VCF-style: chr19-46755976-C-G. GRCh37 (hg19) VCF-style: chr19-47259233-C-G.
Other names: c.526C>G, p.Arg176Gly (NM_001039885.3); short protein forms R176G.
Identifiers: ClinVar variation 1806186 (VCV001806186.1), dbSNP rs1555738502, ClinGen allele CA406495499.